The following is an entry in ClinVar:

ClinVar aggregate classification (germline): Uncertain significance (1 of 4 stars; one submission).

Submission:

GeneDx
Classification: Uncertain significance. Last evaluated: 2024-09-29. Review status: criteria provided, single submitter. Criteria: GeneDx Variant Classification Process June 2021. Collection method: clinical testing. Allele origin: germline. Affected: yes.
Comment: Not observed at significant frequency in large population cohorts (gnomAD); In silico analysis indicates that this missense variant does not alter protein structure/function; Has not been previously published as pathogenic or benign to our knowledge

NM_001005273.3(CHD3):c.4945G>A (p.Glu1649Lys)

Gene: CHD3 (chromodomain helicase DNA binding protein 3; plus strand). Cytogenetic location: 17p13.1.
Variant type: single nucleotide variant.
Coding change: c.4945G>A on transcript NM_001005273.3 (MANE Select); coding-DNA position 4945, G replaced by A.
Protein change: p.Glu1649Lys; replaces glutamic acid 1649 with lysine.
Molecular consequence: missense variant. On other transcripts: intron variant (1).
Genome position (GRCh38, 1-based): chr17:7,907,621, G>A. VCF-style: chr17-7907621-G-A. GRCh37 (hg19) VCF-style: chr17-7810939-G-A.
Other names: c.5122G>A, p.Glu1708Lys (NM_001005271.3); c.4924+133G>A (NM_005852.4); short protein forms E1649K, E1708K.
Identifiers: ClinVar variation 2506799 (VCV002506799.2), dbSNP rs749147376, ClinGen allele CA397947475.